The following is an entry in ClinVar:

ClinVar aggregate classification (germline): Uncertain significance. Review status: criteria provided, multiple submitters, no conflicts (2 of 4 stars). 2 submissions from 2 submitters: Uncertain significance (2). Last evaluated 2025-05-05.

Allele frequency attached by ClinVar (database versions not stated): TOPMed below 0.00001.

Submissions (2):

Women's Health and Genetics/Laboratory Corporation of America, LabCorp
Classification: Uncertain significance. Last evaluated: 2025-05-05. Review status: criteria provided, single submitter. Criteria: LabCorp Variant Classification Summary - May 2015. Collection method: clinical testing. Allele origin: germline.
Comment: Variant summary: KMT2D c.1183C>A (p.Gln395Lys) results in a conservative amino acid change in the encoded protein sequence. Algorithms developed to predict the effect of missense changes on protein structure and function all suggest that this variant is likely to be tolerated. The variant was absent in 248534 control chromosomes. The available data on variant occurrences in the general population are insufficient to allow any conclusion about variant significance. To our knowledge, no occurrence of c.1183C>A in individuals affected with Kabuki Syndrome 1 and no experimental evidence demonstrating its impact on protein function have been reported. ClinVar contains an entry for this variant (Variation ID: 1801854). Based on the evidence outlined above, the variant was classified as uncertain significance.

GeneDx
Classification: Uncertain significance. Last evaluated: 2022-05-31. Review status: criteria provided, single submitter. Criteria: GeneDx Variant Classification Process June 2021. Collection method: clinical testing. Allele origin: germline. Affected: yes.
Comment: Not observed at significant frequency in large population cohorts (gnomAD); In silico analysis supports that this missense variant does not alter protein structure/function; Has not been previously published as pathogenic or benign to our knowledge

NM_003482.4(KMT2D):c.1183C>A (p.Gln395Lys)

Gene: KMT2D (lysine methyltransferase 2D; minus strand). Cytogenetic location: 12q13.12.
Variant type: single nucleotide variant.
Coding change: c.1183C>A on transcript NM_003482.4 (MANE Select); coding-DNA position 1183, C replaced by A.
Protein change: p.Gln395Lys; replaces glutamine 395 with lysine.
Molecular consequence: missense variant.
Genome position (GRCh38, 1-based): chr12:49,052,639, G>T on the plus strand (C>A on the coding strand, the complement: KMT2D is on the minus strand). VCF-style: chr12-49052639-G-T. GRCh37 (hg19) VCF-style: chr12-49446422-G-T.
Other names: short protein forms Q395K.
Identifiers: ClinVar variation 1801854 (VCV001801854.2), dbSNP rs958975938, ClinGen allele CA236621573.